The following is an entry in ClinVar:

NM_000018.4(ACADVL):c.1253G>A (p.Ser418Asn)

Gene: ACADVL (acyl-CoA dehydrogenase very long chain; plus strand). Cytogenetic location: 17p13.1.
Variant type: single nucleotide variant.
Coding change: c.1253G>A on transcript NM_000018.4 (MANE Select); coding-DNA position 1253, G replaced by A.
Protein change: p.Ser418Asn; replaces serine 418 with asparagine.
Molecular consequence: missense variant.
Genome position (GRCh38, 1-based): chr17:7,223,714, G>A. VCF-style: chr17-7223714-G-A. GRCh37 (hg19) VCF-style: chr17-7127033-G-A.
Other names: c.1187G>A, p.Ser396Asn (NM_001033859.3); c.1322G>A, p.Ser441Asn (NM_001270447.2); c.1025G>A, p.Ser342Asn (NM_001270448.2); short protein forms S418N, S396N, S342N, S441N.
Identifiers: ClinVar variation 474880 (VCV000474880.8), dbSNP rs1555528737, ClinGen allele CA397724694.
Genomic context (GRCh38, chr17:7,223,714, plus strand): 5'-ACATGGTGAGTGCTAACATGGACCAGGGAGCCACGGACTTCCAGATAGAGGCCGCCATCA[G>A]CAAAATCTTTGGCTCGGTGAGGTCCCAGGCATGCTGGGAGGGAGTCCAGTTTGGGTGCTC-3'
Protein context (NP_000009.1, residues 408-428): ATDFQIEAAI[Ser418Asn]KIFGSEAAWK

ClinVar aggregate classification (germline): Pathogenic (1 of 4 stars; one submission).

Conditions:
Very long chain acyl-CoA dehydrogenase deficiency (ACADVLD). Also called: VLCAD Deficiency; Very Long-Chain Acyl-Coenzyme A Dehydrogenase Deficiency. Identifiers: Orphanet 26793, MedGen C3887523, MONDO:0008723, OMIM 201475.

Allele frequency attached by ClinVar (database versions not stated): gnomAD exomes below 0.00001.
gnomAD v4.1: 2 of 1,614,154 alleles (0.00012%); highest among the groups gnomAD compares: Non-Finnish European, 0.00017%; no homozygotes.

Submission:

Labcorp Genetics (formerly Invitae), Labcorp
Classification: Pathogenic for Very long chain acyl-CoA dehydrogenase deficiency. Last evaluated: 2023-02-01. Review status: criteria provided, single submitter. Criteria: Invitae Variant Classification Sherloc (09022015). Collection method: clinical testing. Allele origin: germline.
Comment: This missense change has been observed in individual(s) with very long-chain acyl-CoA dehydrogenase deficiency (PMID: 30194637; Invitae). In at least one individual the data is consistent with being in trans (on the opposite chromosome) from a pathogenic variant. This sequence change replaces serine, which is neutral and polar, with asparagine, which is neutral and polar, at codon 418 of the ACADVL protein (p.Ser418Asn). This variant is not present in population databases (gnomAD no frequency). ClinVar contains an entry for this variant (Variation ID: 474880). Advanced modeling of protein sequence and biophysical properties (such as structural, functional, and spatial information, amino acid conservation, physicochemical variation, residue mobility, and thermodynamic stability) performed at Invitae indicates that this missense variant is expected to disrupt ACADVL protein function. For these reasons, this variant has been classified as Pathogenic.

Literature cited by the submitters: PubMed 30194637.